The following is an entry in ClinVar:

ClinVar aggregate classification (germline): Likely pathogenic (1 of 4 stars; one submission).

Submission:

GeneDx
Classification: Likely pathogenic. Last evaluated: 2020-03-04. Review status: criteria provided, single submitter. Criteria: GeneDx Variant Classification Process June 2021. Collection method: clinical testing. Allele origin: germline. Affected: yes.
Comment: Has not been previously published as pathogenic or benign to our knowledge; Not observed in large population cohorts (Lek et al., 2016); Canonical splice site variant in a gene for which loss-of-function is not a known mechanism of disease

NM_001276345.2(TNNT2):c.610-1G>A

Gene: TNNT2 (troponin T2, cardiac type; minus strand). Cytogenetic location: 1q32.1.
Variant type: single nucleotide variant.
Coding change: c.610-1G>A on transcript NM_001276345.2 (MANE Select); the canonical splice acceptor site of the intron before coding-DNA position 610, G replaced by A.
Molecular consequence: splice acceptor variant.
Genome position (GRCh38, 1-based): chr1:201,362,023, C>T on the plus strand (G>A on the coding strand, the complement: TNNT2 is on the minus strand). VCF-style: chr1-201362023-C-T. GRCh37 (hg19) VCF-style: chr1-201331151-C-T.
Other names: c.571-1G>A (NM_001406727.1, NM_001001431.3, NM_001406726.1); c.580-1G>A (NM_001406724.1, NM_001001430.3, NM_001276347.2); c.562-1G>A (NM_001001432.3); c.565-1G>A (NM_001406728.1); c.577-1G>A (NM_001406725.1); c.481-1G>A (NM_001276346.2); c.601-1G>A (NM_000364.4, NM_001406723.1).
Identifiers: ClinVar variation 426997 (VCV000426997.4), dbSNP rs1085307889, ClinGen allele CA344204044.